The following is an entry in ClinVar:

NM_001184.4(ATR):c.4125A>G (p.Glu1375=)

Gene: ATR (ATR checkpoint kinase; minus strand). Cytogenetic location: 3q23.
Variant type: single nucleotide variant.
Coding change: c.4125A>G on transcript NM_001184.4 (MANE Select); coding-DNA position 4125, A replaced by G.
Protein change: p.Glu1375=; no amino-acid change (glutamic acid 1375 retained).
Molecular consequence: synonymous variant.
Genome position (GRCh38, 1-based): chr3:142,524,020, T>C on the plus strand (A>G on the coding strand, the complement: ATR is on the minus strand). VCF-style: chr3-142524020-T-C. GRCh37 (hg19) VCF-style: chr3-142242862-T-C.
Other names: c.3933A>G, p.Glu1311= (NM_001354579.2).
Identifiers: ClinVar variation 3061440 (VCV003061440.3), dbSNP rs1577630034, ClinGen allele CA436114678.

ClinVar aggregate classification (germline): Likely benign. Review status: criteria provided, single submitter (1 of 4 stars). 2 submissions from 2 submitters: Likely benign (1). 1 of the submissions does not count toward it. Last evaluated 2023-12-07.

Conditions:
ATR-related disorder. Also called: ATR-related condition.
Inborn genetic diseases. Identifiers: MedGen C0950123, MeSH D030342.

Allele frequency attached by ClinVar (database versions not stated): TOPMed below 0.00001.

Submissions (2):

Ambry Genetics
Classification: Likely benign for Inborn genetic diseases. Last evaluated: 2023-12-07. Review status: criteria provided, single submitter. Criteria: Ambry Variant Classification Scheme 2023. Collection method: clinical testing. Allele origin: germline.

PreventionGenetics, part of Exact Sciences
Classification: Likely benign for ATR-related condition. Last evaluated: 2024-01-23. Review status: no assertion criteria provided. Collection method: clinical testing. Allele origin: germline. Not counted in ClinVar's aggregate classification.
Comment: This variant is classified as likely benign based on ACMG/AMP sequence variant interpretation guidelines (Richards et al. 2015 PMID: 25741868, with internal and published modifications).